The following is an entry in ClinVar:

NM_173660.5(DOK7):c.332-116_332-65del

Gene: DOK7 (docking protein 7; plus strand). Cytogenetic location: 4p16.3.
Variant type: Deletion.
Coding change: c.332-116_332-65del on transcript NM_173660.5 (MANE Select); 116 bases into the intron before coding-DNA position 332 through 65 bases into the intron before coding-DNA position 332, 52 bases deleted.
Molecular consequence: intron variant.
Genome position (GRCh38, 1-based): chr4:3,476,226-3,476,277, 52 bases deleted. GRCh37 (hg19): chr4:3,477,953-3,478,004.
Other names: c.332-116_332-65del (NM_001301071.2, NM_001164673.2); c.101-9313_101-9262del (NM_001363811.2).
Identifiers: ClinVar variation 674463 (VCV000674463.1), dbSNP rs1560212236, ClinGen allele CA549706020.

ClinVar aggregate classification (germline): Benign (1 of 4 stars; one submission).

Submission:

GeneDx
Classification: Benign. Last evaluated: 2018-06-19. Review status: criteria provided, single submitter. Criteria: GeneDx Variant Classification (06012015). Collection method: clinical testing. Allele origin: germline. Affected: yes.
Comment: This variant is considered likely benign or benign based on one or more of the following criteria: it is a conservative change, it occurs at a poorly conserved position in the protein, it is predicted to be benign by multiple in silico algorithms, and/or has population frequency not consistent with disease.